The following is an entry in ClinVar:

NM_003722.5(TP63):c.1007G>A (p.Gly336Asp)

Gene: TP63 (tumor protein p63; plus strand). Cytogenetic location: 3q28.
Variant type: single nucleotide variant.
Coding change: c.1007G>A on transcript NM_003722.5 (MANE Select); coding-DNA position 1007, G replaced by A.
Protein change: p.Gly336Asp; replaces glycine 336 with aspartic acid.
Molecular consequence: missense variant.
Genome position (GRCh38, 1-based): chr3:189,868,594, G>A. VCF-style: chr3-189868594-G-A. GRCh37 (hg19) VCF-style: chr3-189586383-G-A.
Other names: c.1007G>A, p.Gly336Asp (NM_001114978.2, NM_001114979.2, NM_001329144.2 and 1 more transcripts); c.725G>A, p.Gly242Asp (NM_001114980.2, NM_001114981.2, NM_001114982.2 and 2 more transcripts); c.470G>A, p.Gly157Asp (NM_001329146.2, NM_001329150.2); c.1001G>A, p.Gly334Asp (NM_001329964.2); short protein forms G157D, G242D, G334D, G336D.
Identifiers: ClinVar variation 1070564 (VCV001070564.39), dbSNP rs2108806204, ClinGen allele CA355755120.

ClinVar aggregate classification (germline): Pathogenic/Likely pathogenic. Review status: criteria provided, multiple submitters, no conflicts (2 of 4 stars). 2 submissions from 2 submitters: Pathogenic (1); Likely pathogenic (1). Last evaluated 2021-08-01.

Conditions:
TP63-Related Spectrum Disorders.

Submissions (2):

CeGaT Center for Human Genetics Tuebingen
Classification: Likely pathogenic. Last evaluated: 2021-08-01. Review status: criteria provided, single submitter. Criteria: CeGaT Center For Human Genetics Tuebingen Variant Classification Criteria Version 2. Collection method: clinical testing. Allele origin: germline. Affected: yes. Observed: 2 variant alleles.

Labcorp Genetics (formerly Invitae), Labcorp
Classification: Pathogenic. Last evaluated: 2020-10-08. Review status: criteria provided, single submitter. Criteria: Invitae Variant Classification Sherloc (09022015). Collection method: clinical testing. Allele origin: germline.
Comment: This sequence change replaces glycine with aspartic acid at codon 336 of the TP63 protein (p.Gly336Asp). The glycine residue is highly conserved and there is a moderate physicochemical difference between glycine and aspartic acid. This variant is not present in population databases (ExAC no frequency). This variant has been observed in individual(s) with ectodermal dysplasia (Invitae). It has also been observed to segregate with disease in related individuals. Algorithms developed to predict the effect of missense changes on protein structure and function (SIFT, PolyPhen-2, Align-GVGD) all suggest that this variant is likely to be disruptive, but these predictions have not been confirmed by published functional studies and their clinical significance is uncertain. For these reasons, this variant has been classified as Pathogenic.